The following is an entry in ClinVar:

ClinVar aggregate classification (germline): Pathogenic/Likely pathogenic. Review status: criteria provided, multiple submitters, no conflicts (2 of 4 stars). 2 submissions from 2 submitters: Pathogenic (1); Likely pathogenic (1). Last evaluated 2021-02-08.

Conditions:
X-linked agammaglobulinemia with growth hormone deficiency (IGHD3). Also called: HYPOGAMMAGLOBULINEMIA AND ISOLATED GROWTH HORMONE DEFICIENCY, X-LINKED; IGHD III; ISOLATED GROWTH HORMONE DEFICIENCY, TYPE III, WITH AGAMMAGLOBULINEMIA; Isolated growth hormone deficiency type 3; Growth hormone deficiency with hypogammaglobulinemia; AGAMMAGLOBULINEMIA AND ISOLATED GROWTH HORMONE DEFICIENCY, X-LINKED. Identifiers: Orphanet 231692, Orphanet 631, MedGen C0472813, MONDO:0010615, OMIM 307200.
X-linked agammaglobulinemia (XLA). Also called: Agammaglobulinemia, Bruton tyrosine kinase; Agammaglobulinemia, BTK; BTK-deficiency; Bruton's agammaglobulinemia; IMMUNODEFICIENCY 1; Bruton-type agammaglobulinemia. Identifiers: Orphanet 229717, Orphanet 47, MedGen C0221026, MONDO:0010421, OMIM 300755.

Submissions (2):

Labcorp Genetics (formerly Invitae), Labcorp
Classification: Pathogenic for X-linked agammaglobulinemia with growth hormone deficiency. Last evaluated: 2021-02-08. Review status: criteria provided, single submitter. Criteria: Invitae Variant Classification Sherloc (09022015). Collection method: clinical testing. Allele origin: germline.
Comment: This variant is not present in population databases (ExAC no frequency). For these reasons, this variant has been classified as Pathogenic. Algorithms developed to predict the effect of sequence changes on RNA splicing suggest that this variant may disrupt the consensus splice site, but this prediction has not been confirmed by published transcriptional studies. Disruption of this splice site has been observed in individual(s) with X-linked agammaglobulinemia (PMID: 9545398). ClinVar contains an entry for this variant (Variation ID: 35765). This sequence change affects an acceptor splice site in intron 10 of the BTK gene. It is expected to disrupt RNA splicing. Variants that disrupt the donor or acceptor splice site typically lead to a loss of protein function (PMID: 16199547), and loss-of-function variants in BTK are known to be pathogenic (PMID: 15661032, 16862044, 19419768).

Women's Health and Genetics/Laboratory Corporation of America, LabCorp
Classification: Likely pathogenic for X-linked Agammaglobulinemia. Last evaluated: 2011-08-18. Review status: criteria provided, single submitter. Criteria: LabCorp Variant Classification Summary - May 2015. Collection method: curation, clinical testing. Allele origin: germline. Inheritance: Xlinked unknown. Affected: yes.
ClinVar note: Converted during submission from likely pathogenic to Likely pathogenic.

Literature cited by the submitters: PubMed 9545398 (cited by Labcorp Genetics (formerly Invitae), Labcorp); PubMed 16199547 (cited by Labcorp Genetics (formerly Invitae), Labcorp); PubMed 15661032 (cited by Labcorp Genetics (formerly Invitae), Labcorp); PubMed 16862044 (cited by Labcorp Genetics (formerly Invitae), Labcorp); PubMed 19419768 (cited by Labcorp Genetics (formerly Invitae), Labcorp).

NM_000061.3(BTK):c.895-2A>G

Gene: BTK (Bruton tyrosine kinase; minus strand). Cytogenetic location: Xq22.1.
Variant type: single nucleotide variant.
Coding change: c.895-2A>G on transcript NM_000061.3 (MANE Select); the canonical splice acceptor site of the intron before coding-DNA position 895, A replaced by G.
Molecular consequence: splice acceptor variant.
Genome position (GRCh38, 1-based): chrX:101,358,698, T>C on the plus strand (A>G on the coding strand, the complement: BTK is on the minus strand). VCF-style: chrX-101358698-T-C. GRCh37 (hg19) VCF-style: chrX-100613686-T-C.
Other names: c.997-2A>G (NM_001287344.2); c.895-2A>G (NM_001287345.2).
Identifiers: ClinVar variation 35765 (VCV000035765.10), dbSNP rs193922132, ClinGen allele CA260198.